The following is an entry in ClinVar:

ClinVar aggregate classification (germline): Uncertain significance. Review status: criteria provided, multiple submitters, no conflicts (2 of 4 stars). 7 submissions from 7 submitters: Uncertain significance (7). Last evaluated 2024-06-28.

Conditions:
Emery-Dreifuss muscular dystrophy 4, autosomal dominant (EDMD4). Also called: EMERY-DREIFUSS MUSCULAR DYSTROPHY 4 WITH VARIABLE FEATURES. Identifiers: Orphanet 261, MedGen C2751807, MONDO:0013071, OMIM 612998.
Autosomal recessive ataxia, Beauce type. Also called: SYNE1 Deficiency; SYNE1-Related Autosomal Recessive Cerebellar Ataxia; Spinocerebellar ataxia, autosomal recessive 8; ATAXIA, RECESSIVE, OF BEAUCE. Identifiers: Orphanet 88644, MedGen C1853116, MONDO:0012549, OMIM 610743.
Arthrogryposis multiplex congenita 3, myogenic type. Also called: ARTHROGRYPOSIS MULTIPLEX CONGENITA, MYOGENIC TYPE. Identifiers: MedGen C5193121, MONDO:0032778, OMIM 618484.

Allele frequency attached by ClinVar (database versions not stated): ExAC 0.00007; ESP Exome Variant Server 0.00015; 1000 Genomes Project 30x 0.00016; 1000 Genomes Project 0.00020; TOPMed 0.00033; gnomAD 0.00051.

Submissions (7):

Labcorp Genetics (formerly Invitae), Labcorp
Classification: Uncertain significance for Emery-Dreifuss muscular dystrophy 4, autosomal dominant; Autosomal recessive ataxia, Beauce type. Last evaluated: 2024-06-28. Review status: criteria provided, single submitter. Criteria: Invitae Variant Classification Sherloc (09022015). Collection method: clinical testing. Allele origin: germline.
Comment: This sequence change replaces serine, which is neutral and polar, with glycine, which is neutral and non-polar, at codon 3139 of the SYNE1 protein (p.Ser3139Gly). This variant is present in population databases (rs138481762, gnomAD 0.1%). This variant has not been reported in the literature in individuals affected with SYNE1-related conditions. ClinVar contains an entry for this variant (Variation ID: 596074). An algorithm developed to predict the effect of missense changes on protein structure and function (PolyPhen-2) suggests that this variant¬¨‚Ä†is likely to be tolerated. In summary, the available evidence is currently insufficient to determine the role of this variant in disease. Therefore, it has been classified as a Variant of Uncertain Significance.

Athena Diagnostics
Classification: Uncertain significance. Last evaluated: 2023-03-17. Review status: criteria provided, single submitter. Criteria: Athena Diagnostics Criteria. Collection method: clinical testing. Allele origin: unknown.
Comment: Available data are insufficient to determine the clinical significance of the variant at this time. The frequency of this variant in the general population is higher than would generally be expected for pathogenic variants in this gene. Computational tools predict that this variant is not damaging.

Fulgent Genetics
Classification: Uncertain significance for Autosomal recessive ataxia, Beauce type; Emery-Dreifuss muscular dystrophy 4, autosomal dominant; Arthrogryposis multiplex congenita 3, myogenic type. Last evaluated: 2021-12-11. Review status: criteria provided, single submitter. Criteria: ACMG Guidelines, 2015. Collection method: clinical testing. Allele origin: unknown.

GeneDx
Classification: Uncertain significance. Last evaluated: 2021-06-10. Review status: criteria provided, single submitter. Criteria: GeneDx Variant Classification Process June 2021. Collection method: clinical testing. Allele origin: germline. Affected: yes.
Comment: In silico analysis supports that this missense variant does not alter protein structure/function; Has not been previously published as pathogenic or benign to our knowledge; This variant is associated with the following publications: (PMID: 27535533)

CeGaT Center for Human Genetics Tuebingen
Classification: Uncertain significance. Last evaluated: 2020-04-01. Review status: criteria provided, single submitter. Criteria: CeGaT Center For Human Genetics Tuebingen Variant Classification Criteria Version 2. Collection method: clinical testing. Allele origin: germline. Affected: yes. Observed: 1 variant allele.

Revvity Omics, Revvity
Classification: Uncertain significance. Last evaluated: 2019-11-15. Review status: criteria provided, single submitter. Criteria: ACMG Guidelines, 2015. Collection method: clinical testing. Allele origin: germline.

Eurofins Ntd Llc (ga)
Classification: Uncertain significance. Last evaluated: 2018-02-15. Review status: criteria provided, single submitter. Criteria: EGL ClinVar v180209 classification definitions. Collection method: clinical testing. Allele origin: germline. Observed: 1 variant allele, 1 heterozygote.

NM_182961.4(SYNE1):c.9394A>G (p.Ser3132Gly)

Gene: SYNE1 (spectrin repeat containing nuclear envelope protein 1; minus strand). Cytogenetic location: 6q25.2.
Variant type: single nucleotide variant.
Coding change: c.9394A>G on transcript NM_182961.4 (MANE Select); coding-DNA position 9394, A replaced by G.
Protein change: p.Ser3132Gly; replaces serine 3132 with glycine.
Molecular consequence: missense variant.
Genome position (GRCh38, 1-based): chr6:152,373,150, T>C on the plus strand (A>G on the coding strand, the complement: SYNE1 is on the minus strand). VCF-style: chr6-152373150-T-C. GRCh37 (hg19) VCF-style: chr6-152694285-T-C.
Other names: c.9415A>G, p.Ser3139Gly (NM_033071.5); c.9394A>G (NM_182961.2); short protein forms S3132G, S3139G.
Identifiers: ClinVar variation 596074 (VCV000596074.56), dbSNP rs138481762, ClinGen allele CA4057332.
Genomic context (GRCh38, chr6:152,373,150, plus strand): 5'-CTTTTGCAGCTGTAACTTTGGCCTGGATCCCTTTCGCTTTCTCTTTGGTCAGCAGGGTAC[T>C]CAGAAGTTCCCCTTTAGACAGCATCATGTTTAGCTTGTGCTGTCCATTTTCACTTTCTGA-3'
Protein context (NP_892006.3, residues 3122-3142): NMMLSKGELL[Ser3132Gly]TLLTKEKAKG